The following is an entry in ClinVar:

ClinVar aggregate classification (germline): Pathogenic (1 of 4 stars; one submission).

Conditions:
Autism spectrum disorder due to AUTS2 deficiency (MRD26). Also called: INTELLECTUAL DEVELOPMENTAL DISORDER, AUTOSOMAL DOMINANT 26. Identifiers: Orphanet 352490, MedGen C4014435, MONDO:0014361, OMIM 615834.

Submission:

Center for Human Genetics and Genomic Medicine, Uniklinik Rwth Aachen
Classification: Pathogenic for Autism spectrum disorder due to AUTS2 deficiency. Last evaluated: 2022-01-17. Review status: criteria provided, single submitter. Criteria: ACMG Guidelines, 2015. Collection method: clinical testing. Allele origin: unknown. Inheritance: Autosomal dominant inheritance. Affected: yes. Observed: 1 heterozygote.
Comment: The detected change has not been reported in the relevant databases (dbSNP151, gnomAD, ClinVar) or in the literature. In the case of stop or nonsense variants in a gene that matches the phenotype, there is a high probability of pathogenetic relevance. The variant segregates with the phenotype (OMIMP 615834) within the family. The variant is currently to be regarded as a "pathogenic variant" (ACMG criteria).

NM_015570.4(AUTS2):c.1995_1996del (p.Lys666fs)

Gene: AUTS2 (activator of transcription and developmental regulator AUTS2; plus strand). Cytogenetic location: 7q11.22.
Variant type: Deletion.
Coding change: c.1995_1996del on transcript NM_015570.4 (MANE Select); coding-DNA positions 1995 to 1996, 2 bases deleted (GA; older notation c.1995_1996delGA).
Protein change: p.Lys666fs; shifts the reading frame from lysine 666.
Molecular consequence: frameshift variant.
Genome position (GRCh38, 1-based): chr7:70,777,165-70,777,166, GA deleted; deleting any 2 consecutive bases within chr7:70,777,164-70,777,166 gives the same sequence; the c. name uses the placement nearest the transcript's 3' end. VCF-style (leftmost placement, unchanged base first): chr7-70777163-CAG-C. GRCh37 (hg19) VCF-style: chr7-70242149-CAG-C.
Other names: c.1923_1924del, p.Lys642fs (NM_001127231.3); short protein forms K642fs, K666fs.
Identifiers: ClinVar variation 1334416 (VCV001334416.3), dbSNP rs2129559195, ClinGen allele CA2573052910.